The following is an entry in ClinVar:

ClinVar aggregate classification (germline): Benign/Likely benign. Review status: criteria provided, multiple submitters, no conflicts (2 of 4 stars). 3 submissions from 3 submitters: Benign (1); Likely benign (2). Last evaluated 2025-01-02.

Conditions:
Hereditary cancer-predisposing syndrome. Also called: Neoplastic Syndromes, Hereditary; Hereditary neoplastic syndrome; Tumor predisposition; Hereditary Cancer Syndrome. Identifiers: Orphanet 140162, MedGen C0027672, MeSH D009386, MONDO:0015356.
Familial adenomatous polyposis 1 (FAP1). Also called: POLYPOSIS, ADENOMATOUS INTESTINAL; FAMILIAL ADENOMATOUS POLYPOSIS 1, ATTENUATED. Identifiers: MedGen C2713442, MONDO:0021056, OMIM 175100. Disease mechanism: loss of function.

Submissions (3):

Labcorp Genetics (formerly Invitae), Labcorp
Classification: Likely benign for Familial adenomatous polyposis 1. Last evaluated: 2025-01-02. Review status: criteria provided, single submitter. Criteria: Invitae Variant Classification Sherloc (09022015). Collection method: clinical testing. Allele origin: germline.

Myriad Genetics, Inc.
Classification: Benign for Familial adenomatous polyposis 1. Last evaluated: 2024-03-15. Review status: criteria provided, single submitter. Criteria: Myriad Autosomal Dominant, Autosomal Recessive and X-Linked Classification Criteria (2023). Collection method: clinical testing. Allele origin: unknown.
Comment: This variant is considered benign. This variant is a silent/synonymous amino acid change and it is not expected to impact splicing.

Ambry Genetics
Classification: Likely benign for Hereditary cancer-predisposing syndrome. Last evaluated: 2022-12-14. Review status: criteria provided, single submitter. Criteria: Ambry Variant Classification Scheme 2023. Collection method: clinical testing. Allele origin: germline.

NM_000038.6(APC):c.2877T>C (p.Ser959=)

Gene: APC (APC regulator of Wnt signaling pathway; plus strand). Cytogenetic location: 5q22.2.
Variant type: single nucleotide variant.
Coding change: c.2877T>C on transcript NM_000038.6 (MANE Select); coding-DNA position 2877, T replaced by C.
Protein change: p.Ser959=; no amino-acid change (serine 959 retained).
Molecular consequence: synonymous variant.
Genome position (GRCh38, 1-based): chr5:112,838,471, T>C. VCF-style: chr5-112838471-T-C. GRCh37 (hg19) VCF-style: chr5-112174168-T-C.
Other names: c.2877T>C, p.Ser959= (NM_001127510.3, NM_001354895.2); c.2823T>C, p.Ser941= (NM_001127511.3); c.2931T>C, p.Ser977= (NM_001354896.2); c.2907T>C, p.Ser969= (NM_001354897.2); c.2802T>C, p.Ser934= (NM_001354898.2); c.2793T>C, p.Ser931= (NM_001354899.2); c.2754T>C, p.Ser918= (NM_001354900.2); c.2700T>C, p.Ser900= (NM_001354901.2); and 5 more.
Identifiers: ClinVar variation 794710 (VCV000794710.13), dbSNP rs1580628428, ClinGen allele CA445963046.